The following is an entry in ClinVar:

ClinVar aggregate classification (germline): Uncertain significance. Review status: criteria provided, multiple submitters, no conflicts (2 of 4 stars). 2 submissions from 2 submitters: Uncertain significance (2). Last evaluated 2021-07-19.

Conditions:
Bardet-Biedl syndrome (BBS). Identifiers: Orphanet 110, MedGen C0752166, MONDO:0015229.
McKusick-Kaufman syndrome (MKKS). Also called: HYDROMETROCOLPOS SYNDROME; HYDROMETROCOLPOS, POSTAXIAL POLYDACTYLY, AND CONGENITAL HEART MALFORMATION. Identifiers: Orphanet 2473, MedGen C0948368, MONDO:0009367, OMIM 236700.
Bardet-Biedl syndrome 6 (BBS6). Identifiers: Orphanet 110, MedGen C1858054, MONDO:0011523, OMIM 605231.

gnomAD v4.1: 8 of 1,614,192 alleles (0.0005%); highest among the groups gnomAD compares: South Asian, 0.0088%; no homozygotes.

Submissions (2):

Fulgent Genetics
Classification: Uncertain significance for McKusick-Kaufman syndrome; Bardet-Biedl syndrome 6. Last evaluated: 2021-07-19. Review status: criteria provided, single submitter. Criteria: ACMG Guidelines, 2015. Collection method: clinical testing. Allele origin: unknown.

Labcorp Genetics (formerly Invitae), Labcorp
Classification: Uncertain significance for McKusick-Kaufman syndrome; Bardet-Biedl syndrome. Last evaluated: 2021-02-12. Review status: criteria provided, single submitter. Criteria: Invitae Variant Classification Sherloc (09022015). Collection method: clinical testing. Allele origin: germline.
Comment: Algorithms developed to predict the effect of missense changes on protein structure and function are either unavailable or do not agree on the potential impact of this missense change (SIFT: "Deleterious"; PolyPhen-2: "Possibly Damaging"; Align-GVGD: "Class C0"). In summary, the available evidence is currently insufficient to determine the role of this variant in disease. Therefore, it has been classified as a Variant of Uncertain Significance. This variant has not been reported in the literature in individuals with MKKS-related conditions. This sequence change replaces asparagine with isoleucine at codon 101 of the MKKS protein (p.Asn101Ile). The asparagine residue is highly conserved and there is a large physicochemical difference between asparagine and isoleucine. This variant is not present in population databases (ExAC no frequency).

NM_170784.3(MKKS):c.302A>T (p.Asn101Ile)

Gene: MKKS (MKKS centrosomal shuttling protein; minus strand). Cytogenetic location: 20p12.2.
Variant type: single nucleotide variant.
Coding change: c.302A>T on transcript NM_170784.3 (MANE Select); coding-DNA position 302, A replaced by T.
Protein change: p.Asn101Ile; replaces asparagine 101 with isoleucine.
Molecular consequence: missense variant.
Genome position (GRCh38, 1-based): chr20:10,413,213, T>A on the plus strand (A>T on the coding strand, the complement: MKKS is on the minus strand). VCF-style: chr20-10413213-T-A. GRCh37 (hg19) VCF-style: chr20-10393861-T-A.
Other names: c.302A>T, p.Asn101Ile (NM_018848.3); short protein forms N101I.
Identifiers: ClinVar variation 1371285 (VCV001371285.9), dbSNP rs776936558, ClinGen allele CA408233400.
Genomic context (GRCh38, chr20:10,413,213, plus strand): 5'-TTATTTAATCTAATGACAGTGGTGGGTGTCAAGCCTAATCTCTGAACATTTTCAATCAGG[T>A]TGCAGCAAAGAATAGCTGTGAATAAGCCACAATCACTGAAGCTTGACACATGATTCTGTA-3'
Protein context (NP_740754.1, residues 91-111): CGLFTAILCC[Asn101Ile]LIENVQRLGL